The following is an entry in ClinVar:

NM_014915.3(ANKRD26):c.1465T>C (p.Ser489Pro)

Gene: ANKRD26 (ankyrin repeat domain containing 26; minus strand). Cytogenetic location: 10p12.1.
Variant type: single nucleotide variant.
Coding change: c.1465T>C on transcript NM_014915.3 (MANE Select); coding-DNA position 1465, T replaced by C.
Protein change: p.Ser489Pro; replaces serine 489 with proline.
Molecular consequence: missense variant.
Genome position (GRCh38, 1-based): chr10:27,060,538, A>G on the plus strand (T>C on the coding strand, the complement: ANKRD26 is on the minus strand). VCF-style: chr10-27060538-A-G. GRCh37 (hg19) VCF-style: chr10-27349467-A-G.
Other names: c.1465T>C, p.Ser489Pro (NM_001256053.2); short protein forms S489P.
Identifiers: ClinVar variation 4103894 (VCV004103894.1).
Genomic context (GRCh38, chr10:27,060,538, plus strand): 5'-TAATAATTCAAGATAAAAATATAAAACTTATTACCTTCAAGTGAAGATATCTCTCAGGAG[A>G]CTCTAAAAACCAAAAGGGACATATAATCAATTATACATAAATATGACAAAGTCAATCATA-3'
Protein context (NP_055730.2, residues 479-499): NVGMPVAHME[Ser489Pro]PERYLHLKPT

ClinVar aggregate classification (germline): Uncertain significance (1 of 4 stars; one submission).

Conditions:
Inborn genetic diseases. Identifiers: MedGen C0950123, MeSH D030342.

Submission:

Ambry Genetics
Classification: Uncertain significance for Inborn genetic diseases. Last evaluated: 2025-07-31. Review status: criteria provided, single submitter. Criteria: Ambry Variant Classification Scheme 2023. Collection method: clinical testing. Allele origin: germline.
Comment: The p.S489P variant (also known as c.1465T>C), located in coding exon 14 of the ANKRD26 gene, results from a T to C substitution at nucleotide position 1465. The serine at codon 489 is replaced by proline, an amino acid with similar properties. This amino acid position is conserved. In addition, this alteration is predicted to be tolerated by in silico analysis. Based on the available evidence, the clinical significance of this variant remains unclear.